The following is an entry in ClinVar:

ClinVar aggregate classification (germline): Likely pathogenic. Review status: reviewed by expert panel (3 of 4 stars). 11 submissions from 11 submitters: Likely pathogenic (1). 10 of the submissions do not count toward it. Last evaluated 2018-08-28.

Conditions:
PAH-related disorder. Also called: PAH-related condition.
Phenylketonuria (PKU). Also called: Phenylketonuria (PKU); OLIGOPHRENIA PHENYLPYRUVICA; Phenylketonurias; FOLLING DISEASE. Identifiers: Orphanet 716, MedGen C0031485, MONDO:0009861, OMIM 261600. Disease mechanism: loss of function.

Allele frequency attached by ClinVar (database versions not stated): TOPMed 0.00002.
gnomAD v4.1: 74 of 1,613,336 alleles (0.0046%); highest among the groups gnomAD compares: Non-Finnish European, 0.0057%; no homozygotes.

Submissions (11):

ClinGen PAH Variant Curation Expert Panel
Classification: Likely pathogenic for Phenylketonuria. Last evaluated: 2018-08-28. Review status: reviewed by expert panel. Criteria: ClinGen PAH ACMG Specifications v1. Collection method: curation. Allele origin: germline. Inheritance: Autosomal recessive inheritance.
Comment: PAH-specific ACMG/AMP criteria applied: PM2: Extremely low frequency in ExAC (MAF=0.00003). Absent from gnomAD, 1000G, ESP; BH4 deficiencies not assessed/reported. (PMID:26666653; PMID:9012412; PMID:10679941); PM3_Strong: Patient 664 with genotype N167I/Rl58Q (Pathogenic in ClinVar). Detected with G272X and R408W, known pathogenic variants. (PMID:24368688; PMID:26666653). In summary this variant meets criteria to be classified as likely pathogenic for phenylketonuria in an autosomal recessive manner based on the ACMG/AMP criteria applied as specified by the PAH Expert Panel: (PM2, PP4_Moderate, PM3_Strong).

Labcorp Genetics (formerly Invitae), Labcorp
Classification: Pathogenic for Phenylketonuria. Last evaluated: 2026-01-19. Review status: criteria provided, single submitter. Criteria: Invitae Variant Classification Sherloc (09022015). Collection method: clinical testing. Allele origin: germline. Not counted in ClinVar's aggregate classification.
Comment: This sequence change replaces asparagine, which is neutral and polar, with isoleucine, which is neutral and non-polar, at codon 167 of the PAH protein (p.Asn167Ile). This variant is present in population databases (rs77554925, gnomAD 0.007%). This missense change has been observed in individual(s) with PKU or HPA, and carnitine deficiency (PMID: 9452062, 10234516, 22112818, 23430918, 24368688, 26666653; internal data). In at least one individual the data is consistent with being in trans (on the opposite chromosome) from a pathogenic variant. ClinVar contains an entry for this variant (Variation ID: 92743). Invitae Evidence Modeling of protein sequence and biophysical properties (such as structural, functional, and spatial information, amino acid conservation, physicochemical variation, residue mobility, and thermodynamic stability) indicates that this missense variant is not expected to disrupt PAH protein function with a negative predictive value of 80%. Experimental studies are conflicting or provide insufficient evidence to determine the effect of this variant on PAH function (PMID: 12554741). For these reasons, this variant has been classified as Pathogenic.

Natera, Inc.
Classification: Pathogenic for Phenylketonuria. Last evaluated: 2025-07-20. Review status: criteria provided, single submitter. Criteria: Natera Variant Classification Schema (03/2026). Collection method: clinical testing. Allele origin: germline. Not counted in ClinVar's aggregate classification.
Comment: The c.500A>T variant in PAH is a missense variant predicted to cause substitution of asparagine to isoleucine at amino acid 167. This variant is rare in the general population with a frequency below the threshold expected for the associated phenotype(s). This variant has been observed in one or more individuals affected with the associated recessive disease, as either homozygous or compound heterozygous with a second variant (PMID: 31623983, 9452062, 26666653, 22112818, 24368688, 30941500, 23430918). Computational prediction algorithms indicate this variant is likely to affect gene or protein function. Given the available evidence, this variant is classified as Pathogenic.

Blueprint Genetics
Classification: Pathogenic for PAH-related disorders. Last evaluated: 2023-12-28. Review status: criteria provided, single submitter. Criteria: ACMG Guidelines, 2015. Collection method: clinical testing. Allele origin: germline. Affected: yes. Observed: 4 variant alleles. Not counted in ClinVar's aggregate classification.

Victorian Clinical Genetics Services, Murdoch Childrens Research Institute
Classification: Pathogenic for Phenylketonuria. Last evaluated: 2023-07-17. Review status: criteria provided, single submitter. Criteria: ACMG Guidelines, 2015. Collection method: clinical testing. Allele origin: germline. Inheritance: Autosomal recessive inheritance. Not counted in ClinVar's aggregate classification.
Comment: Based on the classification scheme VCGS_Germline_v1.3.4, this variant is classified as Pathogenic. Following criteria are met: 0102 - Loss of function is a known mechanism of disease in this gene and is associated with phenylketonuria (MIM#261600). (I) 0106 - This gene is associated with autosomal recessive disease. (I) 0200 -Variant is predicted to result in a missense amino acid change from asparagine to isoleucine. (I) 0251 - This variant is heterozygous. (I) 0304 - Variant is present in gnomAD <0.01 for a recessive condition (v2 & v3: 12 heterozygotes, 0 homozygotes). (SP) 0309 - Multiple alternative amino acid changes at the same position have been observed in gnomAD (v2 & v3) (highest allele count: 818 heterozygotes, 8 homozygotes). (I) 0502 - Missense variant with conflicting in silico predictions and uninformative conservation. (I) 0600 - Variant is located in the annotated Biopterin_H domain (DECIPHER). (I) 0801 - This variant has very strong previous evidence of pathogenicity in unrelated individuals. It has been regarded likely pathogenic and pathogenic by multiple clinical laboratories in ClinVar including ClinGen expert group. In addition, it has been detected in individuals from different ethnicities with phenylketonuria (PMIDs: 26666653; 30311390, 24368688, 9452062, 10234516, 9012412). (SP) 1208 - Inheritance information for this variant is not currently available in this individual. (I) Legend: (SP) - Supporting pathogenic, (I) - Information, (SB) - Supporting benign

Fulgent Genetics
Classification: Likely pathogenic for Phenylketonuria. Last evaluated: 2022-03-31. Review status: criteria provided, single submitter. Criteria: ACMG Guidelines, 2015. Collection method: clinical testing. Allele origin: unknown. Not counted in ClinVar's aggregate classification.

GeneDx
Classification: Pathogenic. Last evaluated: 2021-11-11. Review status: criteria provided, single submitter. Criteria: GeneDx Variant Classification Process June 2021. Collection method: clinical testing. Allele origin: germline. Affected: yes. Not counted in ClinVar's aggregate classification.
Comment: Not observed at a significant frequency in large population cohorts (gnomAD); In silico analysis supports that this missense variant has a deleterious effect on protein structure/function; This variant is associated with the following publications: (PMID: 12554741, 10679941, 10598814, 9634518, 9012412, 9452062, 10234516, 32668217, 26666653)

Women's Health and Genetics/Laboratory Corporation of America, LabCorp
Classification: Pathogenic for Phenylketonuria. Last evaluated: 2021-04-20. Review status: criteria provided, single submitter. Criteria: LabCorp Variant Classification Summary - May 2015. Collection method: clinical testing. Allele origin: germline. Not counted in ClinVar's aggregate classification.
Comment: Variant summary: PAH c.500A>T (p.Asn167Ile) results in a non-conservative amino acid change located in the Aromatic amino acid hydroxylase, C-terminal domain (IPR019774) of the encoded protein sequence. Five of five in-silico tools predict a damaging effect of the variant on protein function. The variant allele was found at a frequency of 3.6e-05 in 251360 control chromosomes. c.500A>T has been reported in the literature in multiple individuals affected with Phenylalanine Hydroxylase Deficiency (Phenylketonuria; e.g. Tyfield_1997, Desviat_1999, Utz_2011, Jeannesson-Thivisol_2015). These data indicate that the variant is very likely to be associated with disease. A functional study investigating the variant effects in E. coli reported that the variant did not appear to significantly alter the kinetic properties of the enzyme, but suggested that it may de-stabilize the secondary structure of the protein, resulting in aggregation (e.g. Carvalho_2003). Four other clinical diagnostic laboratories have submitted clinical-significance assessments for this variant to ClinVar after 2014 without evidence for independent evaluation, citing the variant as uncertain significance (n=1) and pathogenic/likely pathogenic (n=3). Based on the evidence outlined above, the variant was classified as pathogenic.

Eurofins Ntd Llc (ga)
Classification: Uncertain significance. Last evaluated: 2017-01-04. Review status: criteria provided, single submitter. Criteria: EGL Classification Definitions 2015. Collection method: clinical testing. Allele origin: germline. Observed: 3 variant alleles, 3 heterozygotes. Not counted in ClinVar's aggregate classification.

Counsyl
Classification: Likely pathogenic for Phenylketonuria. Last evaluated: 2015-12-29. Review status: no assertion criteria provided. Collection method: clinical testing. Allele origin: unknown. Not counted in ClinVar's aggregate classification.

DeBelle Laboratory for Biochemical Genetics, MUHC/MCH RESEARCH INSTITUTE
No classification provided. Review status: no classification provided. Collection method: not provided. Allele origin: not provided. Not counted in ClinVar's aggregate classification.

Literature cited by the submitters: PubMed 24368688 (cited by 5 submitters); PubMed 26666653 (cited by 5 submitters); PubMed 10679941 (cited by ClinGen PAH Variant Curation Expert Panel and Counsyl); PubMed 9012412 (cited by 4 submitters); PubMed 9452062 (cited by 5 submitters); PubMed 10234516 (cited by 4 submitters); PubMed 22112818 (cited by 4 submitters); PubMed 23430918 (cited by 3 submitters); PubMed 12554741 (cited by 3 submitters); PubMed 31623983 (cited by Natera, Inc.); PubMed 30941500 (cited by Natera, Inc.); PubMed 30311390 (cited by Victorian Clinical Genetics Services, Murdoch Childrens Research Institute); PubMed 10598814 (cited by Counsyl); PubMed 25882749 (cited by Counsyl); PubMed 17924342 (cited by Counsyl).

NM_000277.3(PAH):c.500A>T (p.Asn167Ile)

Gene: PAH (phenylalanine hydroxylase; minus strand). Cytogenetic location: 12q23.2.
Variant type: single nucleotide variant.
Coding change: c.500A>T on transcript NM_000277.3 (MANE Select); coding-DNA position 500, A replaced by T.
Protein change: p.Asn167Ile; replaces asparagine 167 with isoleucine.
Molecular consequence: missense variant.
Genome position (GRCh38, 1-based): chr12:102,866,605, T>A on the plus strand (A>T on the coding strand, the complement: PAH is on the minus strand). VCF-style: chr12-102866605-T-A. GRCh37 (hg19) VCF-style: chr12-103260383-T-A.
Other names: NM_000277.2(PAH):c.500A>T; c.500A>T, p.Asn167Ile (NM_001354304.2); c.500A>T (NM_000277.2); short protein forms N167I.
Identifiers: ClinVar variation 92743 (VCV000092743.35), dbSNP rs77554925, ClinGen allele CA220584.